The following is an entry in ClinVar:

NM_000426.4(LAMA2):c.4322A>G (p.His1441Arg)

Gene: LAMA2 (laminin subunit alpha 2; plus strand). Cytogenetic location: 6q22.33.
Variant type: single nucleotide variant.
Coding change: c.4322A>G on transcript NM_000426.4 (MANE Select); coding-DNA position 4322, A replaced by G.
Protein change: p.His1441Arg; replaces histidine 1441 with arginine.
Molecular consequence: missense variant.
Genome position (GRCh38, 1-based): chr6:129,342,353, A>G. VCF-style: chr6-129342353-A-G. GRCh37 (hg19) VCF-style: chr6-129663498-A-G.
Other names: c.4322A>G, p.His1441Arg (NM_001079823.2); short protein forms H1441R.
Identifiers: ClinVar variation 2162650 (VCV002162650.1), dbSNP rs1454521742, ClinGen allele CA365615108.

ClinVar aggregate classification (germline): Uncertain significance (1 of 4 stars; one submission).

Conditions:
LAMA2-related muscular dystrophy (LAMA2-RD). Also called: Laminin alpha 2-related dystrophy. Identifiers: MedGen C5679788, MONDO:0100228.

Allele frequency attached by ClinVar (database versions not stated): gnomAD exomes below 0.00001; gnomAD 0.00001; TOPMed 0.00003.
gnomAD v4.1: 7 of 1,613,026 alleles (0.00043%); highest among the groups gnomAD compares: Non-Finnish European, 0.00059%; no homozygotes.

Submission:

Labcorp Genetics (formerly Invitae), Labcorp
Classification: Uncertain significance for LAMA2-related muscular dystrophy. Last evaluated: 2021-12-27. Review status: criteria provided, single submitter. Criteria: Invitae Variant Classification Sherloc (09022015). Collection method: clinical testing. Allele origin: germline.
Comment: This sequence change replaces histidine, which is basic and polar, with arginine, which is basic and polar, at codon 1441 of the LAMA2 protein (p.His1441Arg). This variant is present in population databases (no rsID available, gnomAD 0.0009%). This variant has not been reported in the literature in individuals affected with LAMA2-related conditions. Advanced modeling of protein sequence and biophysical properties (such as structural, functional, and spatial information, amino acid conservation, physicochemical variation, residue mobility, and thermodynamic stability) performed at Invitae indicates that this missense variant is not expected to disrupt LAMA2 protein function. In summary, the available evidence is currently insufficient to determine the role of this variant in disease. Therefore, it has been classified as a Variant of Uncertain Significance.